The following is an entry in ClinVar:

ClinVar aggregate classification (germline): Uncertain significance. Review status: criteria provided, multiple submitters, no conflicts (2 of 4 stars). 4 submissions from 4 submitters: Uncertain significance (4). Last evaluated 2024-08-06.

Conditions:
Arrhythmogenic cardiomyopathy with wooly hair and keratoderma. Also called: Arrhythmogenic cardiomyopathy with woolly hair and keratoderma; PALMOPLANTAR KERATODERMA WITH LEFT VENTRICULAR CARDIOMYOPATHY AND WOOLLY HAIR; Dilated cardiomyopathy with woolly hair and keratoderma; Carvajal syndrome. Identifiers: Orphanet 65282, MedGen C1854063, MONDO:0011581, OMIM 605676.
Arrhythmogenic right ventricular dysplasia 8 (ARVD8). Also called: ARRHYTHMOGENIC RIGHT VENTRICULAR DYSPLASIA, FAMILIAL, 8; ARRHYTHMOGENIC RIGHT VENTRICULAR CARDIOMYOPATHY 8; Arrhythmogenic Right Ventricular Dysplasia/Cardiomyopathy 8. Identifiers: MedGen C1843896, MONDO:0011831, OMIM 607450.
Lethal acantholytic epidermolysis bullosa (EBLA). Identifiers: Orphanet 158687, MedGen C1864826, MONDO:0012323, OMIM 609638.
Woolly hair-skin fragility syndrome (WHSF). Identifiers: Orphanet 293165, MedGen C1843292, MONDO:0957307, OMIM 620415.
Cardiomyopathy, dilated, with wooly hair, keratoderma, and tooth agenesis. Also called: Cardiomyopathy, dilated, with woolly hair, keratoderma, and tooth agenesis; Erythrokeratodermia-cardiomyopathy syndrome. Identifiers: Orphanet 476096, Orphanet 65282, MedGen C4014393, MONDO:0014355, OMIM 615821.
Keratosis palmoplantaris striata 2. Also called: Keratosis palmoplantaris striata II; KERATODERMA, PALMOPLANTAR, STRIATE FORM II; STRIATE PALMOPLANTAR KERATODERMA II. Identifiers: MedGen C1852127, MONDO:0013034, OMIM 612908.

Submissions (4):

All of Us Research Program, National Institutes of Health
Classification: Uncertain significance for Arrhythmogenic cardiomyopathy with wooly hair and keratoderma. Last evaluated: 2024-08-06. Review status: criteria provided, single submitter. Criteria: ACMG Guidelines, 2015. Collection method: clinical testing. Allele origin: germline. Inheritance: Autosomal dominant inheritance. Observed: 2 variant alleles, 2 heterozygotes.
Comment: This missense variant replaces valine with leucine at codon 495 of the DSP protein. Computational prediction suggests that this variant may not impact protein structure and function (internally defined REVEL score threshold <= 0.5, PMID: 27666373). To our knowledge, functional studies have not been reported for this variant. This variant has not been reported in individuals affected with DSP-related disorders in the literature. This variant has not been identified in the general population by the Genome Aggregation Database (gnomAD). The available evidence is insufficient to determine the role of this variant in disease conclusively. Therefore, this variant is classified as a Variant of Uncertain Significance.

This study involves interpretation of variants in research participants for the purpose of population health screening. Participant phenotype was not available at the time of variant classification. Additional details can be found in publication PMID: 35346344, PMCID: PMC8962531

Labcorp Genetics (formerly Invitae), Labcorp
Classification: Uncertain significance for Arrhythmogenic cardiomyopathy with wooly hair and keratoderma; Arrhythmogenic right ventricular dysplasia 8. Last evaluated: 2024-04-16. Review status: criteria provided, single submitter. Criteria: Invitae Variant Classification Sherloc (09022015). Collection method: clinical testing. Allele origin: germline.
Comment: This sequence change replaces valine, which is neutral and non-polar, with leucine, which is neutral and non-polar, at codon 495 of the DSP protein (p.Val495Leu). This variant is not present in population databases (gnomAD no frequency). This variant has not been reported in the literature in individuals affected with DSP-related conditions. ClinVar contains an entry for this variant (Variation ID: 1500028). An algorithm developed to predict the effect of missense changes on protein structure and function (PolyPhen-2) suggests that this variant is likely to be disruptive. In summary, the available evidence is currently insufficient to determine the role of this variant in disease. Therefore, it has been classified as a Variant of Uncertain Significance.

Fulgent Genetics
Classification: Uncertain significance for Arrhythmogenic cardiomyopathy with wooly hair and keratoderma; Arrhythmogenic right ventricular dysplasia 8; Lethal acantholytic epidermolysis bullosa; Keratosis palmoplantaris striata 2; Cardiomyopathy, dilated, with wooly hair, keratoderma, and tooth agenesis. Last evaluated: 2021-09-07. Review status: criteria provided, single submitter. Criteria: ACMG Guidelines, 2015. Collection method: clinical testing. Allele origin: unknown.

Blueprint Genetics
Classification: Uncertain significance. Last evaluated: 2019-06-22. Review status: criteria provided, single submitter. Criteria: ACMG Guidelines, 2015. Collection method: clinical testing. Allele origin: germline.

NM_004415.4(DSP):c.1483G>T (p.Val495Leu)

Gene: DSP (desmoplakin; plus strand). Cytogenetic location: 6p24.3.
Variant type: single nucleotide variant.
Coding change: c.1483G>T on transcript NM_004415.4 (MANE Select); coding-DNA position 1483, G replaced by T.
Protein change: p.Val495Leu; replaces valine 495 with leucine.
Molecular consequence: missense variant.
Genome position (GRCh38, 1-based): chr6:7,569,249, G>T. VCF-style: chr6-7569249-G-T. GRCh37 (hg19) VCF-style: chr6-7569482-G-T.
Other names: c.1483G>T, p.Val495Leu (NM_001008844.3, NM_001319034.2); short protein forms V495L.
Identifiers: ClinVar variation 1500028 (VCV001500028.10), dbSNP rs372014020, ClinGen allele CA362677582.
Genomic context (GRCh38, chr6:7,569,249, plus strand): 5'-ATCGTGCATAAGGGGGATGAGTGTATCCTGAAGGACAACAACGAGCGCAGCAAGTGGTAC[G>T]TGACGGGCCCGGGAGGCGTTGACATGCTTGTTCCCTCTGTGGGGCTGATCATCCCTCCTC-3'
Protein context (NP_004406.2, residues 485-505): KDNNERSKWY[Val495Leu]TGPGGVDMLV